The following is an entry in ClinVar:

ClinVar aggregate classification (germline): Uncertain significance. Review status: criteria provided, multiple submitters, no conflicts (2 of 4 stars). 2 submissions from 2 submitters: Uncertain significance (2). Last evaluated 2022-11-23.

Conditions:
Andersen Tawil syndrome (LQT7). Also called: ANDERSEN CARDIODYSRHYTHMIC PERIODIC PARALYSIS; LONG QT SYNDROME 7; PERIODIC PARALYSIS, POTASSIUM-SENSITIVE CARDIODYSRHYTHMIC TYPE; Andersen Syndrome; Potassium-sensitive periodic paralysis, ventricular ectopy, and dysmorphic features. Identifiers: Orphanet 37553, MedGen C1563715, MONDO:0008222, OMIM 170390.
Short QT syndrome type 3. Identifiers: Orphanet 51083, MedGen C1865018, MONDO:0012314, OMIM 609622.

Allele frequency attached by ClinVar (database versions not stated): ExAC 0.00001; gnomAD exomes 0.00001.

Submissions (2):

Labcorp Genetics (formerly Invitae), Labcorp
Classification: Uncertain significance for Short QT syndrome type 3; Andersen Tawil syndrome. Last evaluated: 2022-11-23. Review status: criteria provided, single submitter. Criteria: Invitae Variant Classification Sherloc (09022015). Collection method: clinical testing. Allele origin: germline.
Comment: Algorithms developed to predict the effect of missense changes on protein structure and function (SIFT, PolyPhen-2, Align-GVGD) all suggest that this variant is likely to be tolerated. This variant has not been reported in the literature in individuals affected with KCNJ2-related conditions. This variant is present in population databases (rs748535146, gnomAD 0.0009%). This sequence change replaces serine, which is neutral and polar, with isoleucine, which is neutral and non-polar, at codon 390 of the KCNJ2 protein (p.Ser390Ile). In summary, the available evidence is currently insufficient to determine the role of this variant in disease. Therefore, it has been classified as a Variant of Uncertain Significance.

Victorian Clinical Genetics Services, Murdoch Childrens Research Institute
Classification: Uncertain significance for Andersen Tawil syndrome. Last evaluated: 2022-02-02. Review status: criteria provided, single submitter. Criteria: ACMG Guidelines, 2015. Collection method: clinical testing. Allele origin: germline. Inheritance: Autosomal dominant inheritance. Affected: yes.
Comment: Based on the classification scheme VCGS_Germline_v1.3.4, this variant is classified as VUS-3B. Following criteria are met: 0104 - Dominant negative is a known mechanism of disease in this gene and is associated with Andersen syndrome (MIM#170390) (OMIM, PMID: 22589293, PMID: 22186697). (I) 0107 - This gene is associated with autosomal dominant disease. (I) 0112 - The condition associated with this gene has incomplete penetrance (GeneReviews). (I) 0115 - Variants in this gene are known to have variable expressivity. Some individuals carrying Andersen-Tawil syndrome variants lack the triad of clinical features (PMID: 22589293). (I) 0200 - Variant is predicted to result in a missense amino acid change from serine to isoleucine. (I) 0251 - This variant is heterozygous. (I) 0302 - Variant is present in gnomAD (v2) <0.001 for a dominant condition (1 heterozygote, 0 homozygotes). (SP) 0502 - Missense variant with conflicting in silico predictions and uninformative conservation. (I) 0600 - Variant is located in the annotated cytoplasmic domain (UniProt). (I) 0705 - No comparable missense variants have previous evidence for pathogenicity. (I) 0807 - This variant has no previous evidence of pathogenicity. (I) 0905 - No published segregation evidence has been identified for this variant. (I) 1007 - No published functional evidence has been identified for this variant. (I) 1208 - Inheritance information for this variant is not currently available in this individual. (I) Legend: (SP) - Supporting pathogenic, (I) - Information, (SB) - Supporting benign

Literature cited by the submitters: PubMed 22186697 (cited by Victorian Clinical Genetics Services, Murdoch Childrens Research Institute); PubMed 22589293 (cited by Victorian Clinical Genetics Services, Murdoch Childrens Research Institute).

NM_000891.3(KCNJ2):c.1169G>T (p.Ser390Ile)

Gene: KCNJ2 (potassium inwardly rectifying channel subfamily J member 2; plus strand). Cytogenetic location: 17q24.3.
Variant type: single nucleotide variant.
Coding change: c.1169G>T on transcript NM_000891.3 (MANE Select); coding-DNA position 1169, G replaced by T.
Protein change: p.Ser390Ile; replaces serine 390 with isoleucine.
Molecular consequence: missense variant.
Genome position (GRCh38, 1-based): chr17:70,176,208, G>T. VCF-style: chr17-70176208-G-T. GRCh37 (hg19) VCF-style: chr17-68172349-G-T.
Other names: short protein forms S390I.
Identifiers: ClinVar variation 1805668 (VCV001805668.4), dbSNP rs748535146, ClinGen allele CA8738798.